The following is an entry in ClinVar:

NM_001330700.2(TOP2B):c.4510G>T (p.Val1504Phe)

Gene: TOP2B (DNA topoisomerase II beta; minus strand). Cytogenetic location: 3p24.2.
Variant type: single nucleotide variant.
Coding change: c.4510G>T on transcript NM_001330700.2 (MANE Select); coding-DNA position 4510, G replaced by T.
Protein change: p.Val1504Phe; replaces valine 1504 with phenylalanine.
Molecular consequence: missense variant.
Genome position (GRCh38, 1-based): chr3:25,601,205, C>A on the plus strand (G>T on the coding strand, the complement: TOP2B is on the minus strand). VCF-style: chr3-25601205-C-A. GRCh37 (hg19) VCF-style: chr3-25642696-C-A.
Other names: c.4495G>T, p.Val1499Phe (NM_001068.3); short protein forms V1499F, V1504F.
Identifiers: ClinVar variation 2630012 (VCV002630012.4), dbSNP rs773139821, ClinGen allele CA2288075.

ClinVar aggregate classification (germline): Uncertain significance. Review status: criteria provided, multiple submitters, no conflicts (2 of 4 stars). 2 submissions from 2 submitters: Uncertain significance (2). Last evaluated 2025-08-31.

Conditions:
TOP2B-related disorder. Also called: TOP2B-related condition.

Allele frequency attached by ClinVar (database versions not stated): gnomAD exomes 0.00001; ExAC 0.00002.
gnomAD v4.1: 3 of 1,613,476 alleles (0.00019%); highest among the groups gnomAD compares: Non-Finnish European, 0.00025%; no homozygotes.

Submissions (2):

Labcorp Genetics (formerly Invitae), Labcorp
Classification: Uncertain significance. Last evaluated: 2025-08-31. Review status: criteria provided, single submitter. Criteria: Invitae Variant Classification Sherloc (09022015). Collection method: clinical testing. Allele origin: germline.
Comment: This sequence change replaces valine, which is neutral and non-polar, with phenylalanine, which is neutral and non-polar, at codon 1499 of the TOP2B protein (p.Val1499Phe). This variant is present in population databases (rs773139821, gnomAD 0.003%). This variant has not been reported in the literature in individuals affected with TOP2B-related conditions. ClinVar contains an entry for this variant (Variation ID: 2630012). An algorithm developed to predict the effect of missense changes on protein structure and function (PolyPhen-2) suggests that this variant is likely to be tolerated. In summary, the available evidence is currently insufficient to determine the role of this variant in disease. Therefore, it has been classified as a Variant of Uncertain Significance.

PreventionGenetics, part of Exact Sciences
Classification: Uncertain significance for TOP2B-related condition. Last evaluated: 2022-12-15. Review status: criteria provided, single submitter. Criteria: ACMG Guidelines, 2015. Collection method: clinical testing. Allele origin: germline.
Comment: The TOP2B c.4510G>T variant is predicted to result in the amino acid substitution p.Val1504Phe. To our knowledge, this variant has not been reported in the literature. This variant is reported in 0.0027% of alleles in individuals of European (Non-Finnish) descent in gnomAD. At this time, the clinical significance of this variant is uncertain due to the absence of conclusive functional and genetic evidence.